The following is an entry in ClinVar:

NM_006208.3(ENPP1):c.1564T>C (p.Leu522=)

Gene: ENPP1 (ectonucleotide pyrophosphatase/phosphodiesterase 1; plus strand). Cytogenetic location: 6q23.2.
Variant type: single nucleotide variant.
Coding change: c.1564T>C on transcript NM_006208.3 (MANE Select); coding-DNA position 1564, T replaced by C.
Protein change: p.Leu522=; no amino-acid change (leucine 522 retained).
Molecular consequence: synonymous variant.
Genome position (GRCh38, 1-based): chr6:131,873,049, T>C. VCF-style: chr6-131873049-T-C. GRCh37 (hg19) VCF-style: chr6-132194189-T-C.
Identifiers: ClinVar variation 1384150 (VCV001384150.7), dbSNP rs907688104, ClinGen allele CA147944624.

ClinVar aggregate classification (germline): Conflicting classifications of pathogenicity. Review status: criteria provided, conflicting classifications (1 of 4 stars). 2 submissions from 2 submitters: Uncertain significance (1); Likely benign (1). Last evaluated 2025-10-16.

Allele frequency attached by ClinVar (database versions not stated): gnomAD exomes 0.00001; gnomAD 0.00002 and 0.00003; TOPMed 0.00003.
gnomAD v4.1: 15 of 1,613,534 alleles (0.00093%); highest among the groups gnomAD compares: African/African-American, 0.004%; no homozygotes.

Submissions (2):

Labcorp Genetics (formerly Invitae), Labcorp
Classification: Uncertain significance. Last evaluated: 2025-10-16. Review status: criteria provided, single submitter. Criteria: Invitae Variant Classification Sherloc (09022015). Collection method: clinical testing. Allele origin: germline.
Comment: This sequence change affects codon 522 of the ENPP1 mRNA. It is a 'silent' change, meaning that it does not change the encoded amino acid sequence of the ENPP1 protein. It affects a nucleotide within the consensus splice site. This variant is present in population databases (no rsID available, gnomAD 0.004%). This variant has not been reported in the literature in individuals affected with ENPP1-related conditions. ClinVar contains an entry for this variant (Variation ID: 1384150). Algorithms developed to predict the effect of sequence changes on RNA splicing suggest that this variant is not likely to affect RNA splicing. In summary, the available evidence is currently insufficient to determine the role of this variant in disease. Therefore, it has been classified as a Variant of Uncertain Significance.

Blueprint Genetics
Classification: Likely benign. Last evaluated: 2022-10-24. Review status: criteria provided, single submitter. Criteria: ACMG Guidelines, 2015. Collection method: clinical testing. Allele origin: germline.